The following is an entry in ClinVar:

NM_021101.5(CLDN1):c.525C>A (p.Cys175Ter)

Genes: CLDN1 (claudin 1; minus strand), CLDN16 (claudin 16; plus strand). Cytogenetic location: 3q28.
Variant type: single nucleotide variant.
Coding change: c.525C>A on transcript NM_021101.5 (MANE Select); coding-DNA position 525, C replaced by A.
Protein change: p.Cys175Ter; replaces cysteine 175 with a stop codon.
Molecular consequence: nonsense. On other transcripts: intron variant (2).
Genome position (GRCh38, 1-based): chr3:190,308,388, G>T on the plus strand (C>A on the coding strand, the complement: CLDN1 is on the minus strand). VCF-style: chr3-190308388-G-T. GRCh37 (hg19) VCF-style: chr3-190026177-G-T.
Other names: c.-445-6505G>T (NM_001378492.1); c.-279+17797G>T (NM_001378493.1); short protein forms C175*.
Identifiers: ClinVar variation 1994772 (VCV001994772.4), dbSNP rs2473890718, ClinGen allele CA355754651.

ClinVar aggregate classification (germline): Uncertain significance (1 of 4 stars; one submission).

Submission:

Labcorp Genetics (formerly Invitae), Labcorp
Classification: Uncertain significance. Last evaluated: 2022-06-23. Review status: criteria provided, single submitter. Criteria: Invitae Variant Classification Sherloc (09022015). Collection method: clinical testing. Allele origin: germline.
Comment: Experimental studies and prediction algorithms are not available or were not evaluated, and the functional significance of this variant is currently unknown. This variant has not been reported in the literature in individuals affected with CLDN1-related conditions. This variant is not present in population databases (gnomAD no frequency). This sequence change creates a premature translational stop signal (p.Cys175*) in the CLDN1 gene. While this is not anticipated to result in nonsense mediated decay, it is expected to disrupt the last 37 amino acid(s) of the CLDN1 protein. In summary, the available evidence is currently insufficient to determine the role of this variant in disease. Therefore, it has been classified as a Variant of Uncertain Significance.